The following is an entry in ClinVar:

NM_006196.4(PCBP1):c.215_216delinsAA (p.Phe72Ter)

Genes: PCBP1 (poly(rC) binding protein 1; plus strand), PCBP1-AS1 (PCBP1 antisense RNA 1; minus strand). Cytogenetic location: 2p13.3.
Variant type: Indel.
Coding change: c.215_216delinsAA on transcript NM_006196.4 (MANE Select); coding-DNA positions 215 to 216, TC replaced by AA.
Protein change: p.Phe72Ter; replaces phenylalanine 72 with a stop codon.
Molecular consequence: nonsense. On other transcripts: non-coding transcript variant (5).
Genome position (GRCh38, 1-based): chr2:70,087,958-70,087,959, TC replaced by AA. VCF-style: chr2-70087958-TC-AA. GRCh37 (hg19) VCF-style: chr2-70315090-TC-AA.
Other names: short protein forms F72*.
Identifiers: ClinVar variation 5016825 (VCV005016825.1).

ClinVar aggregate classification (germline): Uncertain significance (1 of 4 stars; one submission).

Submission:

GeneDx
Classification: Uncertain significance. Last evaluated: 2024-04-11. Review status: criteria provided, single submitter. Criteria: GeneDx Variant Classification Process June 2021. Collection method: clinical testing. Allele origin: germline.
Comment: Not observed at significant frequency in large population cohorts (gnomAD); Nonsense variant predicted to result in protein truncation in a gene or region of a gene for which loss of function is not a well-established mechanism of disease; Has not been previously published as pathogenic or benign to our knowledge; Variants in candidate genes are classified as variants of uncertain significance in accordance with ACMG guidelines (PMID: 25741868)